The following is an entry in ClinVar:

ClinVar aggregate classification (germline): Uncertain significance (1 of 4 stars; one submission).

Conditions:
PLXNA3-related disorder. Also called: PLXNA3-related condition.

Submission:

PreventionGenetics, part of Exact Sciences
Classification: Uncertain significance for PLXNA3-related condition. Last evaluated: 2024-12-06. Review status: criteria provided, single submitter. Criteria: ACMG Guidelines, 2015. Collection method: clinical testing. Allele origin: germline.
Comment: The PLXNA3 c.2528C>T variant is predicted to result in the amino acid substitution p.Thr843Met. To our knowledge, this variant has not been reported in the literature or in a large population database (gnomAD), indicating this variant is rare. At this time, the clinical significance of this variant is uncertain due to the absence of conclusive functional and genetic evidence.

NM_017514.5(PLXNA3):c.2528C>T (p.Thr843Met)

Gene: PLXNA3 (plexin A3; plus strand). Cytogenetic location: Xq28.
Variant type: single nucleotide variant.
Coding change: c.2528C>T on transcript NM_017514.5 (MANE Select); coding-DNA position 2528, C replaced by T.
Protein change: p.Thr843Met; replaces threonine 843 with methionine.
Molecular consequence: missense variant.
Genome position (GRCh38, 1-based): chrX:154,465,843, C>T. VCF-style: chrX-154465843-C-T. GRCh37 (hg19) VCF-style: chrX-153694186-C-T.
Other names: short protein forms T843M.
Identifiers: ClinVar variation 4990140 (VCV004990140.1).